The following is an entry in ClinVar:

NM_000264.5(PTCH1):c.3784C>T (p.Pro1262Ser)

Gene: PTCH1 (patched 1; minus strand). Cytogenetic location: 9q22.32.
Variant type: single nucleotide variant.
Coding change: c.3784C>T on transcript NM_000264.5 (MANE Select); coding-DNA position 3784, C replaced by T.
Protein change: p.Pro1262Ser; replaces proline 1262 with serine.
Molecular consequence: missense variant. On other transcripts: non-coding transcript variant (1).
Genome position (GRCh38, 1-based): chr9:95,449,089, G>A on the plus strand (C>T on the coding strand, the complement: PTCH1 is on the minus strand). VCF-style: chr9-95449089-G-A. GRCh37 (hg19) VCF-style: chr9-98211371-G-A.
Other names: c.3586C>T, p.Pro1196Ser (NM_001083602.3); c.3781C>T, p.Pro1261Ser (NM_001083603.3); c.3331C>T, p.Pro1111Ser (NM_001083604.3, NM_001083605.3, NM_001083606.3 and 1 more transcripts); c.3628C>T, p.Pro1210Ser (NM_001354918.2); short protein forms P1262S, P1196S, P1111S, P1210S, P1261S.
Identifiers: ClinVar variation 453865 (VCV000453865.22), dbSNP rs970679518, ClinGen allele CA196566069.
Genomic context (GRCh38, chr9:95,449,089, plus strand): 5'-GTGGGAAGACCCCTCCCCCTGGTTCTGCAGAGTCACTTACAGTGGAGTGGGCGAAGACGG[G>A]GTTTTCTGTGGCTTCCACGATCACTTGGTGGGCAGGGCCTCCCGCGCCCTGCTGGGCCTC-3'
Protein context (NP_000255.2, residues 1252-1272): HQVIVEATEN[Pro1262Ser]VFAHSTVVHP

ClinVar aggregate classification (germline): Conflicting classifications of pathogenicity. Review status: criteria provided, conflicting classifications (1 of 4 stars). 2 submissions from 2 submitters: Uncertain significance (1); Likely benign (1). Last evaluated 2025-11-04.

Conditions:
Hereditary cancer-predisposing syndrome. Also called: Tumor predisposition; Hereditary Cancer Syndrome; Neoplastic Syndromes, Hereditary; Hereditary neoplastic syndrome. Identifiers: Orphanet 140162, MedGen C0027672, MeSH D009386, MONDO:0015356.
Gorlin syndrome. Also called: Basal cell nevus syndrome; Nevoid Basal Cell Carcinoma Syndrome. Identifiers: Orphanet 377, MedGen C0004779, MONDO:0007187.

Allele frequency attached by ClinVar (database versions not stated): TOPMed below 0.00001.

Submissions (2):

Labcorp Genetics (formerly Invitae), Labcorp
Classification: Uncertain significance for Gorlin syndrome. Last evaluated: 2025-11-04. Review status: criteria provided, single submitter. Criteria: Invitae Variant Classification Sherloc (09022015). Collection method: clinical testing. Allele origin: germline.
Comment: This sequence change replaces proline, which is neutral and non-polar, with serine, which is neutral and polar, at codon 1262 of the PTCH1 protein (p.Pro1262Ser). This variant is not present in population databases (gnomAD no frequency). This variant has not been reported in the literature in individuals affected with PTCH1-related conditions. ClinVar contains an entry for this variant (Variation ID: 453865). Invitae Evidence Modeling of protein sequence and biophysical properties (such as structural, functional, and spatial information, amino acid conservation, physicochemical variation, residue mobility, and thermodynamic stability) indicates that this missense variant is not expected to disrupt PTCH1 protein function with a negative predictive value of 95%. In summary, the available evidence is currently insufficient to determine the role of this variant in disease. Therefore, it has been classified as a Variant of Uncertain Significance.

Ambry Genetics
Classification: Likely benign for Hereditary cancer-predisposing syndrome. Last evaluated: 2023-05-26. Review status: criteria provided, single submitter. Criteria: Ambry Variant Classification Scheme 2023. Collection method: clinical testing. Allele origin: germline.